The following is an entry in ClinVar:

ClinVar aggregate classification (germline): Uncertain significance (1 of 4 stars; one submission).

Conditions:
Hereditary cancer-predisposing syndrome. Also called: Neoplastic Syndromes, Hereditary; Tumor predisposition; Hereditary neoplastic syndrome; Hereditary Cancer Syndrome. Identifiers: Orphanet 140162, MedGen C0027672, MeSH D009386, MONDO:0015356.

Submission:

Ambry Genetics
Classification: Uncertain significance for Hereditary cancer-predisposing syndrome. Last evaluated: 2024-04-22. Review status: criteria provided, single submitter. Criteria: Ambry Variant Classification Scheme 2023. Collection method: clinical testing. Allele origin: germline.
Comment: The c.2629_2634delGTAGAA variant (also known as p.V877_E878del) is located in coding exon 19 of the TSC1 gene. This variant results from an in-frame GTAGAA deletion at nucleotide positions 2629 to 2634. This results in the in-frame deletion of the valine and glutamic acid residues at codons 877-878. This amino acid region is well conserved in available vertebrate species. In addition, this alteration is predicted to be deleterious by in silico analysis (Choi Y et al. PLoS ONE. 2012; 7(10):e46688). Based on the available evidence, the clinical significance of this variant remains unclear.

NM_000368.5(TSC1):c.2629_2634del (p.Val877_Glu878del)

Gene: TSC1 (TSC complex subunit 1; minus strand). Cytogenetic location: 9q34.13.
Variant type: Deletion.
Coding change: c.2629_2634del on transcript NM_000368.5 (MANE Select); coding-DNA positions 2629 to 2634, 6 bases deleted (GTAGAA; older notation c.2629_2634delGTAGAA).
Protein change: p.Val877_Glu878del.
Molecular consequence: inframe deletion. On other transcripts: inframe indel (1), non-coding transcript variant (5).
Genome position (GRCh38, 1-based): chr9:132,897,602-132,897,607, TTCTAC deleted on the plus strand (GTAGAA on the coding strand, the reverse complement: TSC1 is on the minus strand); deleting any 6 consecutive bases within chr9:132,897,602-132,897,610 gives the same sequence; the c. name uses the placement nearest the transcript's 3' end. VCF-style (leftmost placement, unchanged base first): chr9-132897601-TTTCTAC-T. GRCh37 (hg19) VCF-style: chr9-135772988-TTTCTAC-T.
Other names: c.2629_2634delGTAGAA (NM_000368.4); c.2626_2631del, p.Val876_Glu877del (NM_001162426.2, NM_001406597.1, NM_001406598.1 and 2 more transcripts); c.2476_2481del, p.Val826_Glu827del (NM_001162427.2, NM_001406610.1); c.2266_2271del, p.Val756_Glu757del (NM_001362177.2, NM_001406614.1, NM_001406615.1 and 4 more transcripts); c.2629_2634del, p.Val877_Glu878del (NM_001406592.1, NM_001406593.1, NM_001406594.1 and 2 more transcripts); c.2614_2619del, p.Val872_Glu873del (NM_001406601.1, NM_001406602.1); c.2611_2616del, p.Val871_Glu872del (NM_001406603.1, NM_001406604.1); c.2587_2592del, p.Val863_Glu864del (NM_001406605.1, NM_001406606.1, NM_001406607.1); and 9 more.
Identifiers: ClinVar variation 3329407 (VCV003329407.1).
Genomic context (GRCh38, chr9:132,897,601, plus strand): 5'-TCTGCTGGAGAACATGGCTTCTGTTTTTTTCTAGCTCTTTCCGATAGGCGGCTTTCATCA[TTTCTAC>T]TTCCTGAAAAAAAAAAAAAAAAAAGACTGGAATTAGTACTTATAAAAAATAAACATGCTG-3'